The following is an entry in ClinVar:

NM_001376.5(DYNC1H1):c.1462-41G>A

Gene: DYNC1H1 (dynein cytoplasmic 1 heavy chain 1; plus strand). Cytogenetic location: 14q32.31.
Variant type: single nucleotide variant.
Coding change: c.1462-41G>A on transcript NM_001376.5 (MANE Select); 41 bases into the intron before coding-DNA position 1462, G replaced by A.
Molecular consequence: intron variant.
Genome position (GRCh38, 1-based): chr14:101,985,646, G>A. VCF-style: chr14-101985646-G-A. GRCh37 (hg19) VCF-style: chr14-102451983-G-A.
Identifiers: ClinVar variation 674074 (VCV000674074.5), dbSNP rs2983422, ClinGen allele CA7351699.

ClinVar aggregate classification (germline): Benign. Review status: criteria provided, multiple submitters, no conflicts (2 of 4 stars). 5 submissions from 3 submitters: Benign (5). Last evaluated 2021-07-30.

Conditions:
Charcot-Marie-Tooth disease axonal type 2O. Also called: CHARCOT-MARIE-TOOTH NEUROPATHY, AXONAL, TYPE 2O; CHARCOT-MARIE-TOOTH DISEASE, AXONAL, AUTOSOMAL DOMINANT, TYPE 2O; Charcot-Marie-Tooth Neuropathy Type 2O; Charcot-Marie-Tooth disease, axonal, type 20. Identifiers: Orphanet 284232, MedGen C3280220, MONDO:0013644, OMIM 614228.
Autosomal dominant childhood-onset proximal spinal muscular atrophy without contractures. Also called: SPINAL MUSCULAR ATROPHY, JUVENILE, PROXIMAL, AUTOSOMAL DOMINANT; KUGELBERG-WELANDER SYNDROME, AUTOSOMAL DOMINANT; Spinal muscular atrophy, lower extremity-predominant 1, AD; SPINAL MUSCULAR ATROPHY, CHILDHOOD, PROXIMAL, AUTOSOMAL DOMINANT. Identifiers: Orphanet 209341, Orphanet 363447, MedGen C5780022, MONDO:0008026, OMIM 158600.
Cortical dysplasia, complex, with other brain malformations 13. Also called: Intellectual disability, autosomal dominant 13. Identifiers: MedGen C3281202, MONDO:0013805, OMIM 614563.

Allele frequency attached by ClinVar (database versions not stated): ExAC 0.16124; ESP Exome Variant Server 0.18871; gnomAD 0.19200; TOPMed 0.20160; 1000 Genomes Project 0.24141; 1000 Genomes Project 30x 0.24313.
gnomAD v4.1: 214,976 of 1,610,484 alleles (13%); highest among the groups gnomAD compares: African/African-American, 36%; 17,674 homozygotes.

Submissions (5):

Genome-Nilou Lab
Classification: Benign for Charcot-Marie-Tooth disease axonal type 2O. Last evaluated: 2021-07-30. Review status: criteria provided, single submitter. Criteria: ACMG Guidelines, 2015. Collection method: clinical testing. Allele origin: germline. Affected: no.

Genome-Nilou Lab
Classification: Benign for Cortical dysplasia, complex, with other brain malformations 13. Last evaluated: 2021-07-30. Review status: criteria provided, single submitter. Criteria: ACMG Guidelines, 2015. Collection method: clinical testing. Allele origin: germline. Affected: no.

Genome-Nilou Lab
Classification: Benign for Autosomal dominant childhood-onset proximal spinal muscular atrophy without contractures. Last evaluated: 2021-07-30. Review status: criteria provided, single submitter. Criteria: ACMG Guidelines, 2015. Collection method: clinical testing. Allele origin: germline. Affected: no.

GeneDx
Classification: Benign. Last evaluated: 2018-06-18. Review status: criteria provided, single submitter. Criteria: GeneDx Variant Classification (06012015). Collection method: clinical testing. Allele origin: germline. Affected: yes.
Comment: This variant is considered likely benign or benign based on one or more of the following criteria: it is a conservative change, it occurs at a poorly conserved position in the protein, it is predicted to be benign by multiple in silico algorithms, and/or has population frequency not consistent with disease.

Breakthrough Genomics
Classification: Benign. Review status: criteria provided, single submitter. Criteria: ACMG Guidelines, 2015. Collection method: not provided. Allele origin: germline. Inheritance: Autosomal dominant inheritance. Affected: yes.